The following is an entry in ClinVar:

ClinVar aggregate classification (germline): Pathogenic. Review status: reviewed by expert panel (3 of 4 stars). 6 submissions from 6 submitters: Pathogenic (1). 5 of the submissions do not count toward it. Last evaluated 2016-09-08.

Conditions:
Hereditary cancer-predisposing syndrome. Also called: Tumor predisposition; Hereditary Cancer Syndrome; Neoplastic Syndromes, Hereditary; Hereditary neoplastic syndrome. Identifiers: Orphanet 140162, MedGen C0027672, MeSH D009386, MONDO:0015356.
Hereditary breast ovarian cancer syndrome. Also called: Hereditary breast and ovarian cancer; Hereditary breast and/or ovarian cancer syndrome; BRCA1- and BRCA2-Associated Hereditary Breast and Ovarian Cancer; Hereditary breast and ovarian cancer syndrome; Hereditary breast and ovarian cancer syndrome (HBOC); Breast and ovarian cancer. Identifiers: Orphanet 145, MedGen C0677776, MeSH D061325, MONDO:0003582. Disease mechanism: loss of function.
Breast-ovarian cancer, familial, susceptibility to, 2 (BROVCA2). Also called: BRCA2 Hereditary Breast and Ovarian Cancer. Identifiers: Orphanet 145, MedGen C2675520, MONDO:0012933, OMIM 612555. Disease mechanism: loss of function.

Submissions (6):

Evidence-based Network for the Interpretation of Germline Mutant Alleles (ENIGMA)
Classification: Pathogenic for Breast-ovarian cancer, familial, susceptibility to, 2. Last evaluated: 2016-09-08. Review status: reviewed by expert panel. Criteria: ENIGMA BRCA1/2 Classification Criteria (2015). Collection method: curation. Allele origin: germline.
Comment: Variant allele predicted to encode a truncated non-functional protein.

Labcorp Genetics (formerly Invitae), Labcorp
Classification: Pathogenic for Hereditary breast ovarian cancer syndrome. Last evaluated: 2025-03-19. Review status: criteria provided, single submitter. Criteria: Invitae Variant Classification Sherloc (09022015). Collection method: clinical testing. Allele origin: germline. Not counted in ClinVar's aggregate classification.
Comment: This sequence change creates a premature translational stop signal (p.Leu2737Serfs*2) in the BRCA2 gene. It is expected to result in an absent or disrupted protein product. Loss-of-function variants in BRCA2 are known to be pathogenic (PMID: 20104584). This variant is not present in population databases (gnomAD no frequency). This premature translational stop signal has been observed in individual(s) with breast cancer (PMID: 31273614). This variant is also known as c.8437insAG. ClinVar contains an entry for this variant (Variation ID: 126169). Algorithms developed to predict the effect of sequence changes on RNA splicing suggest that this variant may disrupt the consensus splice site. For these reasons, this variant has been classified as Pathogenic.

Ambry Genetics
Classification: Pathogenic for Hereditary cancer-predisposing syndrome. Last evaluated: 2024-01-29. Review status: criteria provided, single submitter. Criteria: Ambry Variant Classification Scheme 2023. Collection method: clinical testing. Allele origin: germline. Not counted in ClinVar's aggregate classification.
Comment: The c.8208_8209insAG pathogenic mutation, located in coding exon 17 of the BRCA2 gene, results from an insertion of two nucleotides at position 8208, causing a translational frameshift with a predicted alternate stop codon (p.L2737Sfs*2). This alteration was identified in an individual diagnosed with breast cancer (Gervas P et al. Mol Biol Rep, 2019 Oct;46:5537-5541). This variant is considered to be rare based on population cohorts in the Genome Aggregation Database (gnomAD). This alteration is expected to result in loss of function by premature protein truncation or nonsense-mediated mRNA decay. As such, this alteration is interpreted as a disease-causing mutation.

Consortium of Investigators of Modifiers of BRCA1/2 (CIMBA), c/o University of Cambridge
Classification: Pathogenic for Breast-ovarian cancer, familial, susceptibility to, 2. Last evaluated: 2015-10-02. Review status: criteria provided, single submitter. Criteria: CIMBA Mutation Classification guidelines May 2016. Collection method: clinical testing. Allele origin: germline. Not counted in ClinVar's aggregate classification.

Research Molecular Genetics Laboratory, Women's College Hospital, University of Toronto
Classification: Pathogenic for Hereditary breast ovarian cancer syndrome. Last evaluated: 2014-01-31. Review status: no assertion criteria provided. Collection method: research. Allele origin: germline. Affected: yes. Study: The Canadian Open Genetics Repository (COGR). Not counted in ClinVar's aggregate classification.

Breast Cancer Information Core (BIC) (BRCA2)
Classification: Pathogenic for Breast-ovarian cancer, familial 2. Last evaluated: 2013-02-20. Review status: no assertion criteria provided. Collection method: clinical testing. Allele origin: somatic. Affected: yes. Observed: 1 variant allele. Not counted in ClinVar's aggregate classification.

Literature cited by the submitters: PubMed 20104584 (cited by Labcorp Genetics (formerly Invitae), Labcorp); PubMed 31273614 (cited by Labcorp Genetics (formerly Invitae), Labcorp and Ambry Genetics).

NM_000059.4(BRCA2):c.8208_8209insAG (p.Leu2737fs)

Gene: BRCA2 (BRCA2 DNA repair associated; plus strand). Cytogenetic location: 13q13.1.
Variant type: Insertion.
Coding change: c.8208_8209insAG on transcript NM_000059.4 (MANE Select); coding-DNA positions 8208 to 8209, AG inserted.
Protein change: p.Leu2737fs; shifts the reading frame from leucine 2737.
Molecular consequence: frameshift variant.
Genome position: GRCh38 VCF-style: chr13-32363410-C-CAG. GRCh37 (hg19) VCF-style: chr13-32937547-C-CAG.
Other names: 8436insAG; short protein forms L2737fs.
Identifiers: ClinVar variation 126169 (VCV000126169.16), dbSNP rs483353122, ClinGen allele CA025517.